The following is an entry in ClinVar:

NM_018133.4(MSL2):c.556A>T (p.Ile186Phe)

Gene: MSL2 (MSL complex subunit 2; minus strand). Cytogenetic location: 3q22.3.
Variant type: single nucleotide variant.
Coding change: c.556A>T on transcript NM_018133.4 (MANE Select); coding-DNA position 556, A replaced by T.
Protein change: p.Ile186Phe; replaces isoleucine 186 with phenylalanine.
Molecular consequence: missense variant.
Genome position (GRCh38, 1-based): chr3:136,152,325, T>A on the plus strand (A>T on the coding strand, the complement: MSL2 is on the minus strand). VCF-style: chr3-136152325-T-A. GRCh37 (hg19) VCF-style: chr3-135871167-T-A.
Other names: c.334A>T, p.Ile112Phe (NM_001145417.2); short protein forms I112F, I186F.
Identifiers: ClinVar variation 5024946 (VCV005024946.1).

ClinVar aggregate classification (germline): Uncertain significance (1 of 4 stars; one submission).

gnomAD v4.1: 5 of 1,614,170 alleles (0.00031%); highest among the groups gnomAD compares: South Asian, 0.0011%; no homozygotes.

Submission:

Ambry Genetics
Classification: Uncertain significance. Last evaluated: 2026-06-17. Review status: criteria provided, single submitter. Criteria: Ambry Variant Classification Scheme 2023. Collection method: clinical testing. Allele origin: germline.
Comment: The c.556A>T (p.I186F) alteration is located in exon 2 (coding exon 2) of the MSL2 gene. This alteration results from a A to T substitution at nucleotide position 556, causing the isoleucine (I) at amino acid position 186 to be replaced by a phenylalanine (F). Based on data from gnomAD, the T allele has an overall frequency of 0.003% (1/31406) total alleles studied. The highest observed frequency was 0.007% (1/15428) of European (non-Finnish) alleles. Based on insufficient or conflicting evidence, the clinical significance of this alteration remains unclear.